The following is an entry in ClinVar:

ClinVar aggregate classification (germline): Uncertain significance. Review status: criteria provided, multiple submitters, no conflicts (2 of 4 stars). 2 submissions from 2 submitters: Uncertain significance (2). Last evaluated 2024-06-11.

Conditions:
Inborn genetic diseases. Identifiers: MedGen C0950123, MeSH D030342.
Mosaic variegated aneuploidy syndrome 1 (MVA1). Also called: Warburton-Anyane-Yeboa syndrome. Identifiers: Orphanet 1052, MedGen C1850343, MONDO:0009759, OMIM 257300.

Submissions (2):

Ambry Genetics
Classification: Uncertain significance for Inborn genetic diseases. Last evaluated: 2024-06-11. Review status: criteria provided, single submitter. Criteria: Ambry Variant Classification Scheme 2023. Collection method: clinical testing. Allele origin: germline.
Comment: The p.K357Q variant (also known as c.1069A>C), located in coding exon 9 of the BUB1B gene, results from an A to C substitution at nucleotide position 1069. The lysine at codon 357 is replaced by glutamine, an amino acid with similar properties. This amino acid position is conserved. In addition, this alteration is predicted to be tolerated by in silico analysis. Based on the available evidence, the clinical significance of this variant remains unclear.

Labcorp Genetics (formerly Invitae), Labcorp
Classification: Uncertain significance for Mosaic variegated aneuploidy syndrome 1. Last evaluated: 2019-02-15. Review status: criteria provided, single submitter. Criteria: Invitae Variant Classification Sherloc (09022015). Collection method: clinical testing. Allele origin: germline.
Comment: In summary, the available evidence is currently insufficient to determine the role of this variant in disease. Therefore, it has been classified as a Variant of Uncertain Significance. Algorithms developed to predict the effect of missense changes on protein structure and function are either unavailable or do not agree on the potential impact of this missense change (SIFT: "Tolerated"; PolyPhen-2: "Probably Damaging"; Align-GVGD: "Class C0"). This variant has not been reported in the literature in individuals with BUB1B-related conditions. This variant is not present in population databases (ExAC no frequency). This sequence change replaces lysine with glutamine at codon 357 of the BUB1B protein (p.Lys357Gln). The lysine residue is moderately conserved and there is a small physicochemical difference between lysine and glutamine.

NM_001211.6(BUB1B):c.1069A>C (p.Lys357Gln)

Gene: BUB1B (BUB1 mitotic checkpoint serine/threonine kinase B; plus strand). Cytogenetic location: 15q15.1.
Variant type: single nucleotide variant.
Coding change: c.1069A>C on transcript NM_001211.6 (MANE Select); coding-DNA position 1069, A replaced by C.
Protein change: p.Lys357Gln; replaces lysine 357 with glutamine.
Molecular consequence: missense variant.
Genome position (GRCh38, 1-based): chr15:40,196,555, A>C. VCF-style: chr15-40196555-A-C. GRCh37 (hg19) VCF-style: chr15-40488756-A-C.
Other names: short protein forms K357Q.
Identifiers: ClinVar variation 836746 (VCV000836746.12), dbSNP rs1264518438, ClinGen allele CA391686900.
Genomic context (GRCh38, chr15:40,196,555, plus strand): 5'-GATTTTTTTTATTTTGACCCATATGAATAATAGTAATTTTGCTTCTTTAGGACACCATGT[A>C]AAATTGAACCTAGTATAAACCACATCCTAAGCACCAGAAAGCCTGGAAAGGAAGAAGGAG-3'
Protein context (NP_001202.5, residues 347-367): TARQPVMTPC[Lys357Gln]IEPSINHILS